The following is an entry in ClinVar:

NM_003321.5(TUFM):c.622G>A (p.Glu208Lys)

Gene: TUFM (Tu translation elongation factor, mitochondrial; minus strand). Cytogenetic location: 16p11.2.
Variant type: single nucleotide variant.
Coding change: c.622G>A on transcript NM_003321.5 (MANE Select); coding-DNA position 622, G replaced by A.
Protein change: p.Glu208Lys; replaces glutamic acid 208 with lysine.
Molecular consequence: missense variant.
Genome position (GRCh38, 1-based): chr16:28,844,760, C>T on the plus strand (G>A on the coding strand, the complement: TUFM is on the minus strand). VCF-style: chr16-28844760-C-T. GRCh37 (hg19) VCF-style: chr16-28856081-C-T.
Other names: p.Glu208Lys; c.622G>A, p.Glu208Lys (NM_001365360.2); short protein forms E208K.
Identifiers: ClinVar variation 215311 (VCV000215311.42), dbSNP rs143189885, ClinGen allele CA321438.

ClinVar aggregate classification (germline): Uncertain significance. Review status: criteria provided, multiple submitters, no conflicts (2 of 4 stars). 6 submissions from 6 submitters: Uncertain significance (6). Last evaluated 2025-09-24.

Conditions:
Inborn genetic diseases. Identifiers: MedGen C0950123, MeSH D030342.
Combined oxidative phosphorylation defect type 4. Identifiers: Orphanet 254925, MedGen C1857682, MONDO:0012534, OMIM 610678.

Allele frequency attached by ClinVar (database versions not stated): gnomAD exomes 0.00043 and 0.00105; ExAC 0.00044; gnomAD 0.00062; TOPMed 0.00063; ESP Exome Variant Server 0.00131.
gnomAD v4.1: 1,649 of 1,614,096 alleles (0.1%); highest among the groups gnomAD compares: Non-Finnish European, 0.13%; 1 homozygote.

Submissions (6):

GeneDx
Classification: Uncertain significance. Last evaluated: 2025-09-24. Review status: criteria provided, single submitter. Criteria: GeneDx Variant Classification Process June 2021. Collection method: clinical testing. Allele origin: germline. Affected: yes.
Comment: In silico analysis supports that this missense variant has a deleterious effect on protein structure/function; Has not been previously published as pathogenic or benign to our knowledge

Labcorp Genetics (formerly Invitae), Labcorp
Classification: Uncertain significance. Last evaluated: 2023-12-22. Review status: criteria provided, single submitter. Criteria: Invitae Variant Classification Sherloc (09022015). Collection method: clinical testing. Allele origin: germline.
Comment: This sequence change replaces glutamic acid, which is acidic and polar, with lysine, which is basic and polar, at codon 208 of the TUFM protein (p.Glu208Lys). This variant is present in population databases (rs143189885, gnomAD 0.08%). This variant has not been reported in the literature in individuals affected with TUFM-related conditions. ClinVar contains an entry for this variant (Variation ID: 215311). Advanced modeling of protein sequence and biophysical properties (such as structural, functional, and spatial information, amino acid conservation, physicochemical variation, residue mobility, and thermodynamic stability) performed at Invitae indicates that this missense variant is not expected to disrupt TUFM protein function with a negative predictive value of 80%. In summary, the available evidence is currently insufficient to determine the role of this variant in disease. Therefore, it has been classified as a Variant of Uncertain Significance.

Mayo Clinic Laboratories, Mayo Clinic
Classification: Uncertain significance. Last evaluated: 2023-09-21. Review status: criteria provided, single submitter. Criteria: ACMG Guidelines, 2015. Collection method: clinical testing. Allele origin: germline. Observed: 1 variant allele.
Comment: BP4, PM2_moderate

CeGaT Center for Human Genetics Tuebingen
Classification: Uncertain significance. Last evaluated: 2023-02-01. Review status: criteria provided, single submitter. Criteria: CeGaT Center For Human Genetics Tuebingen Variant Classification Criteria Version 2. Collection method: clinical testing. Allele origin: germline. Affected: yes. Observed: 1 variant allele.

Ambry Genetics
Classification: Uncertain significance for Inborn genetic diseases. Last evaluated: 2021-07-19. Review status: criteria provided, single submitter. Criteria: Ambry Variant Classification Scheme 2023. Collection method: clinical testing. Allele origin: germline.

Illumina Laboratory Services, Illumina
Classification: Uncertain significance for Combined oxidative phosphorylation defect type 4. Last evaluated: 2018-01-12. Review status: criteria provided, single submitter. Criteria: ICSL Variant Classification Criteria 13 December 2019. Collection method: clinical testing. Allele origin: germline.